The following is an entry in ClinVar:

ClinVar aggregate classification (germline): Uncertain significance (1 of 4 stars; one submission).

Submission:

Ambry Genetics
Classification: Uncertain significance. Last evaluated: 2025-10-13. Review status: criteria provided, single submitter. Criteria: Ambry Variant Classification Scheme 2023. Collection method: clinical testing. Allele origin: germline.
Comment: The p.V43F variant (also known as c.127G>T), located in coding exon 1 of the MLH3 gene, results from a G to T substitution at nucleotide position 127. The valine at codon 43 is replaced by phenylalanine, an amino acid with highly similar properties. This amino acid position is conserved. In addition, this alteration is predicted to be deleterious by in silico analysis. Based on the available evidence, the clinical significance of this variant remains unclear.

NM_001040108.2(MLH3):c.127G>T (p.Val43Phe)

Gene: MLH3 (mutL homolog 3; minus strand). Cytogenetic location: 14q24.3.
Variant type: single nucleotide variant.
Coding change: c.127G>T on transcript NM_001040108.2 (MANE Select); coding-DNA position 127, G replaced by T.
Protein change: p.Val43Phe; replaces valine 43 with phenylalanine.
Molecular consequence: missense variant.
Genome position (GRCh38, 1-based): chr14:75,049,529, C>A on the plus strand (G>T on the coding strand, the complement: MLH3 is on the minus strand). VCF-style: chr14-75049529-C-A. GRCh37 (hg19) VCF-style: chr14-75516232-C-A.
Other names: c.127G>T, p.Val43Phe (NM_014381.3); short protein forms V43F.
Identifiers: ClinVar variation 4552091 (VCV004552091.1).